The following is an entry in ClinVar:

NM_007194.4(CHEK2):c.1462-5C>G

Gene: CHEK2 (checkpoint kinase 2; minus strand). Cytogenetic location: 22q12.1.
Variant type: single nucleotide variant.
Coding change: c.1462-5C>G on transcript NM_007194.4 (MANE Select); 5 bases into the intron before coding-DNA position 1462, C replaced by G.
Molecular consequence: intron variant.
Genome position (GRCh38, 1-based): chr22:28,689,220, G>C on the plus strand (C>G on the coding strand, the complement: CHEK2 is on the minus strand). VCF-style: chr22-28689220-G-C. GRCh37 (hg19) VCF-style: chr22-29085208-G-C.
Other names: c.799-5C>G (NM_001437942.1, NM_001257387.3); c.1261-5C>G (NM_001349956.3); c.1375-5C>G (NM_145862.3); c.1468-5C>G (NM_001438295.1); c.1555-5C>G (NM_001438293.1); c.1504-5C>G (NM_001438294.1); c.1591-5C>G (NM_001005735.3).
Identifiers: ClinVar variation 798321 (VCV000798321.11), dbSNP rs1601702602, ClinGen allele CA915952836.

ClinVar aggregate classification (germline): Conflicting classifications of pathogenicity. Review status: criteria provided, conflicting classifications (1 of 4 stars). 2 submissions from 2 submitters: Uncertain significance (1); Likely benign (1). Last evaluated 2023-06-26.

Conditions:
Familial cancer of breast. Also called: hereditary breast carcinoma; Hereditary breast cancer; BREAST CANCER, FAMILIAL. Identifiers: Orphanet 227535, MedGen C0346153, MONDO:0016419, OMIM 114480. Disease mechanism: loss of function.
Hereditary cancer-predisposing syndrome. Also called: Neoplastic Syndromes, Hereditary; Hereditary neoplastic syndrome; Tumor predisposition; Hereditary Cancer Syndrome. Identifiers: Orphanet 140162, MedGen C0027672, MeSH D009386, MONDO:0015356.

Submissions (2):

Ambry Genetics
Classification: Uncertain significance for Hereditary cancer-predisposing syndrome. Last evaluated: 2023-06-26. Review status: criteria provided, single submitter. Criteria: Ambry Variant Classification Scheme 2023. Collection method: clinical testing. Allele origin: germline.
Comment: The c.1462-5C>G intronic variant results from a C to G substitution 5 nucleotides upstream from coding exon 13 in the CHEK2 gene. This nucleotide position is well conserved in available vertebrate species. In silico splice site analysis predicts that this alteration will not have any significant effect on splicing. Since supporting evidence is limited at this time, the clinical significance of this alteration remains unclear.

Labcorp Genetics (formerly Invitae), Labcorp
Classification: Likely benign for Familial cancer of breast. Last evaluated: 2020-01-22. Review status: criteria provided, single submitter. Criteria: Invitae Variant Classification Sherloc (09022015). Collection method: clinical testing. Allele origin: germline.